The following is an entry in ClinVar:

NM_001103146.3(GIGYF2):c.1047T>A (p.Asp349Glu)

Gene: GIGYF2 (GRB10 interacting GYF protein 2; plus strand). Cytogenetic location: 2q37.1.
Variant type: single nucleotide variant.
Coding change: c.1047T>A on transcript NM_001103146.3 (MANE Select); coding-DNA position 1047, T replaced by A.
Protein change: p.Asp349Glu; replaces aspartic acid 349 with glutamic acid.
Molecular consequence: missense variant. On other transcripts: non-coding transcript variant (1).
Genome position (GRCh38, 1-based): chr2:232,791,124, T>A. VCF-style: chr2-232791124-T-A. GRCh37 (hg19) VCF-style: chr2-233655834-T-A.
Other names: c.1113T>A, p.Asp371Glu (NM_001103147.2); c.1029T>A, p.Asp343Glu (NM_001103148.2); c.1047T>A, p.Asp349Glu (NM_015575.4); short protein forms D343E, D349E, D371E.
Identifiers: ClinVar variation 3057769 (VCV003057769.8), dbSNP rs148277228, ClinGen allele CA2170252.

ClinVar aggregate classification (germline): Likely benign. Review status: criteria provided, single submitter (1 of 4 stars). 2 submissions from 2 submitters: Likely benign (1). 1 of the submissions does not count toward it. Last evaluated 2025-10-01.

Conditions:
GIGYF2-related disorder. Also called: GIGYF2-related condition.

Allele frequency attached by ClinVar (database versions not stated): gnomAD 0.00044; TOPMed 0.00044; ExAC 0.00045; gnomAD exomes 0.00054; ESP Exome Variant Server 0.00092.
gnomAD v4.1: 875 of 1,613,938 alleles (0.054%); highest among the groups gnomAD compares: Middle Eastern, 0.082%; 2 homozygotes.

Submissions (2):

CeGaT Center for Human Genetics Tuebingen
Classification: Likely benign. Last evaluated: 2025-10-01. Review status: criteria provided, single submitter. Criteria: CeGaT Center For Human Genetics Tuebingen Variant Classification Criteria Version 2. Collection method: clinical testing. Allele origin: germline. Affected: yes. Observed: 1 variant allele.
Comment: GIGYF2: BP4, BS1

PreventionGenetics, part of Exact Sciences
Classification: Likely benign for GIGYF2-related condition. Last evaluated: 2023-12-12. Review status: no assertion criteria provided. Collection method: clinical testing. Allele origin: germline. Not counted in ClinVar's aggregate classification.
Comment: This variant is classified as likely benign based on ACMG/AMP sequence variant interpretation guidelines (Richards et al. 2015 PMID: 25741868, with internal and published modifications).